The following is an entry in ClinVar:

ClinVar aggregate classification (germline): Pathogenic (1 of 4 stars; one submission).

Conditions:
Fanconi anemia (FA). Also called: Fanconi's anemia. Identifiers: Orphanet 84, MedGen C0015625, MeSH D005199, MONDO:0019391.

Submission:

Labcorp Genetics (formerly Invitae), Labcorp
Classification: Pathogenic for Fanconi anemia. Last evaluated: 2022-11-14. Review status: criteria provided, single submitter. Criteria: Invitae Variant Classification Sherloc (09022015). Collection method: clinical testing. Allele origin: unknown.
Comment: For these reasons, this variant has been classified as Pathogenic. This variant has not been reported in the literature in individuals affected with FANCA-related conditions. This variant is a gross deletion of the genomic region encompassing exon(s) 33 of the FANCA gene. This deletion is out-of-frame, and is expected to create a premature termination codon and result in an absent or disrupted protein product. Loss-of-function variants in FANCA are known to be pathogenic (PMID: 19367192).

Literature cited by the submitters: PubMed 19367192.

NC_000016.9:g.(?_89815049)_(89815185_?)del

Gene: FANCA (FA complementation group A; minus strand). Cytogenetic location: 16q24.3.
Variant type: Deletion.
Identifiers: ClinVar variation 3243226 (VCV003243226.1).